The following is an entry in ClinVar:

ClinVar aggregate classification (germline): Likely benign (0 of 4 stars; one submission).

Conditions:
KANK4-related disorder. Also called: KANK4-related condition.

Allele frequency attached by ClinVar (database versions not stated): ExAC 0.00002; gnomAD 0.00010; TOPMed 0.00011.
gnomAD v4.1: 70 of 1,614,114 alleles (0.0043%); highest among the groups gnomAD compares: Middle Eastern, 0.18%; 1 homozygote.

Submission:

PreventionGenetics, part of Exact Sciences
Classification: Likely benign for KANK4-related condition. Last evaluated: 2019-05-15. Review status: no assertion criteria provided. Collection method: clinical testing. Allele origin: germline.
Comment: This variant is classified as likely benign based on ACMG/AMP sequence variant interpretation guidelines (Richards et al. 2015 PMID: 25741868, with internal and published modifications).

NM_181712.5(KANK4):c.939G>A (p.Pro313=)

Gene: KANK4 (KN motif and ankyrin repeat domains 4; minus strand). Cytogenetic location: 1p31.3.
Variant type: single nucleotide variant.
Coding change: c.939G>A on transcript NM_181712.5 (MANE Select); coding-DNA position 939, G replaced by A.
Protein change: p.Pro313=; no amino-acid change (proline 313 retained).
Molecular consequence: synonymous variant. On other transcripts: intron variant (1).
Genome position (GRCh38, 1-based): chr1:62,274,165, C>T on the plus strand (G>A on the coding strand, the complement: KANK4 is on the minus strand). VCF-style: chr1-62274165-C-T. GRCh37 (hg19) VCF-style: chr1-62739837-C-T.
Other names: c.17-2576G>A (NM_001320269.2).
Identifiers: ClinVar variation 3041254 (VCV003041254.2), dbSNP rs559482425, ClinGen allele CA884457.